The following is an entry in ClinVar:

NM_001876.4(CPT1A):c.1421C>T (p.Ser474Phe)

Gene: CPT1A (carnitine palmitoyltransferase 1A; minus strand). Cytogenetic location: 11q13.3.
Variant type: single nucleotide variant.
Coding change: c.1421C>T on transcript NM_001876.4 (MANE Select); coding-DNA position 1421, C replaced by T.
Protein change: p.Ser474Phe; replaces serine 474 with phenylalanine.
Molecular consequence: missense variant.
Genome position (GRCh38, 1-based): chr11:68,780,677, G>A on the plus strand (C>T on the coding strand, the complement: CPT1A is on the minus strand). VCF-style: chr11-68780677-G-A. GRCh37 (hg19) VCF-style: chr11-68548145-G-A.
Other names: c.1421C>T, p.Ser474Phe (NM_001031847.3, NM_001440358.1, NM_001440359.1 and 3 more transcripts); c.1313C>T, p.Ser438Phe (NM_001440363.1); c.1235C>T, p.Ser412Phe (NM_001440365.1); short protein forms S474F, S438F, S412F.
Identifiers: ClinVar variation 4746234 (VCV004746234.1).

ClinVar aggregate classification (germline): Uncertain significance (1 of 4 stars; one submission).

Conditions:
Carnitine palmitoyl transferase 1A deficiency. Also called: CPT I DEFICIENCY; CPT DEFICIENCY, HEPATIC, TYPE I; Carnitine palmitoyltransferase 1A deficiency; Carnitine palmitoyltransferase type I deficiency; CPT deficiency, hepatic, type IA. Identifiers: Orphanet 156, MedGen C1829703, MONDO:0009705, OMIM 255120.

Submission:

Labcorp Genetics (formerly Invitae), Labcorp
Classification: Uncertain significance for Carnitine palmitoyl transferase 1A deficiency. Last evaluated: 2025-04-11. Review status: criteria provided, single submitter. Criteria: Invitae Variant Classification Sherloc (09022015). Collection method: clinical testing. Allele origin: germline.
Comment: This sequence change replaces serine, which is neutral and polar, with phenylalanine, which is neutral and non-polar, at codon 474 of the CPT1A protein (p.Ser474Phe). This variant is not present in population databases (gnomAD no frequency). This variant has not been reported in the literature in individuals affected with CPT1A-related conditions. Invitae Evidence Modeling of protein sequence and biophysical properties (such as structural, functional, and spatial information, amino acid conservation, physicochemical variation, residue mobility, and thermodynamic stability) has been performed for this missense variant. However, the output from this modeling did not meet the statistical confidence thresholds required to predict the impact of this variant on CPT1A protein function. In summary, the available evidence is currently insufficient to determine the role of this variant in disease. Therefore, it has been classified as a Variant of Uncertain Significance.